The following is an entry in ClinVar:

GRCh38/hg38 2q14.1-21.3(chr2:118086324-134964738)x1

Genes: LYPD1 (LY6/PLAUR domain containing 1; minus strand), MAP3K19 (mitogen-activated protein kinase kinase kinase 19; minus strand), MAP3K2 (mitogen-activated protein kinase kinase kinase 2; minus strand), MAP3K2-DT (MAP3K2 divergent transcript; plus strand), MARCO (macrophage receptor with collagenous structure; plus strand) and 389 more. Cytogenetic location: 2q14.1-21.3.
Variant type: copy number loss.
Change: copy number 1 (one copy instead of two) of chr2:118,086,324-134,964,738 (16.88 Mb, GRCh38 coordinates, 1-based), cytogenetic band 2q14.1-21.3.
Identifiers: ClinVar variation 60184 (VCV000060184.3).

ClinVar aggregate classification (germline): Pathogenic (0 of 4 stars; one submission).

Submission:

ISCA site 1
Classification: Pathogenic. Last evaluated: 2011-05-06. Review status: no assertion criteria provided. Collection method: clinical testing. Allele origin: unknown. Affected: yes. Observed: 1 variant allele.
Comment: Copy number variation identified through the course of routine clinical cytogenomic testing in postnatal populations. Clinical assertions have been curated as described in Kaminsky et al. 2011.

Copy number variation identified through the course of routine clinical cytogenomic testing in postnatal populations. Clinical assertions have been curated as described in Kaminsky, et al. 2011 (PubMed 21844811). For additional ClinGen data, please see nstd37.